The following is an entry in ClinVar:

ClinVar aggregate classification (germline): Uncertain significance (1 of 4 stars; one submission).

gnomAD v4.1: 4 of 1,536,144 alleles (0.00026%); highest among the groups gnomAD compares: Admixed American, 0.0059%; no homozygotes.

Submission:

Labcorp Genetics (formerly Invitae), Labcorp
Classification: Uncertain significance. Last evaluated: 2024-06-19. Review status: criteria provided, single submitter. Criteria: Invitae Variant Classification Sherloc (09022015). Collection method: clinical testing. Allele origin: germline.
Comment: This sequence change replaces glycine, which is neutral and non-polar, with arginine, which is basic and polar, at codon 1500 of the CCDC141 protein (p.Gly1500Arg). This variant is present in population databases (no rsID available, gnomAD 0.008%). This variant has not been reported in the literature in individuals affected with CCDC141-related conditions. An algorithm developed to predict the effect of missense changes on protein structure and function (PolyPhen-2) suggests that this variant is likely to be disruptive. Algorithms developed to predict the effect of sequence changes on RNA splicing suggest that this variant may create or strengthen a splice site. In summary, the available evidence is currently insufficient to determine the role of this variant in disease. Therefore, it has been classified as a Variant of Uncertain Significance.

NM_173648.4(CCDC141):c.4498G>C (p.Gly1500Arg)

Gene: CCDC141 (coiled-coil domain containing 141; minus strand). Cytogenetic location: 2q31.2.
Variant type: single nucleotide variant.
Coding change: c.4498G>C on transcript NM_173648.4 (MANE Select); coding-DNA position 4498, G replaced by C.
Protein change: p.Gly1500Arg; replaces glycine 1500 with arginine.
Molecular consequence: missense variant.
Genome position (GRCh38, 1-based): chr2:178,834,268, C>G on the plus strand (G>C on the coding strand, the complement: CCDC141 is on the minus strand). VCF-style: chr2-178834268-C-G. GRCh37 (hg19) VCF-style: chr2-179698995-C-G.
Other names: short protein forms G1500R.
Identifiers: ClinVar variation 3683336 (VCV003683336.2).